The following is an entry in ClinVar:

ClinVar aggregate classification (germline): Benign. Review status: criteria provided, multiple submitters, no conflicts (2 of 4 stars). 3 submissions from 3 submitters: Benign (2). 1 of the submissions does not count toward it. Last evaluated 2018-08-01.

Conditions:
HAP1-related disorder. Also called: HAP1-related condition.

Allele frequency attached by ClinVar (database versions not stated): 1000 Genomes Project 30x 0.00437; 1000 Genomes Project 0.00439; gnomAD 0.00692 and 0.00704; ESP Exome Variant Server 0.00730; TOPMed 0.00752; ExAC 0.00787; gnomAD exomes 0.00803 and 0.00885.
gnomAD v4.1: 14,016 of 1,613,640 alleles (0.87%); highest among the groups gnomAD compares: Middle Eastern, 1.4%; 101 homozygotes.

Submissions (3):

Labcorp Genetics (formerly Invitae), Labcorp
Classification: Benign. Last evaluated: 2018-08-01. Review status: criteria provided, single submitter. Criteria: Invitae Variant Classification Sherloc (09022015). Collection method: clinical testing. Allele origin: germline.

Breakthrough Genomics
Classification: Benign. Review status: criteria provided, single submitter. Criteria: ACMG Guidelines, 2015. Collection method: not provided. Allele origin: germline. Inheritance: Unknown mechanism. Affected: yes.

PreventionGenetics, part of Exact Sciences
Classification: Benign for HAP1-related condition. Last evaluated: 2019-02-28. Review status: no assertion criteria provided. Collection method: clinical testing. Allele origin: germline. Not counted in ClinVar's aggregate classification.
Comment: This variant is classified as benign based on ACMG/AMP sequence variant interpretation guidelines (Richards et al. 2015 PMID: 25741868, with internal and published modifications).

NM_177977.3(HAP1):c.1486A>G (p.Ile496Val)

Gene: HAP1 (huntingtin associated protein 1; minus strand). Cytogenetic location: 17q21.2.
Variant type: single nucleotide variant.
Coding change: c.1486A>G on transcript NM_177977.3 (MANE Select); coding-DNA position 1486, A replaced by G.
Protein change: p.Ile496Val; replaces isoleucine 496 with valine.
Molecular consequence: missense variant. On other transcripts: intron variant (1).
Genome position (GRCh38, 1-based): chr17:41,725,075, T>C on the plus strand (A>G on the coding strand, the complement: HAP1 is on the minus strand). VCF-style: chr17-41725075-T-C. GRCh37 (hg19) VCF-style: chr17-39881327-T-C.
Other names: c.1435A>G, p.Ile479Val (NM_001079870.1); c.1411A>G, p.Ile471Val (NM_001079871.1, NM_001367461.1); c.1582A>G, p.Ile528Val (NM_001367459.1); c.1546A>G, p.Ile516Val (NM_001367460.1); c.1331+784A>G (NM_001367462.1); short protein forms I479V, I496V, I516V, I471V, I528V.
Identifiers: ClinVar variation 771767 (VCV000771767.6), dbSNP rs41314644, ClinGen allele CA8564298.